The following is an entry in ClinVar:

ClinVar aggregate classification (germline): Uncertain significance (1 of 4 stars; one submission).

Conditions:
Hereditary pheochromocytoma and paraganglioma. Also called: Hereditary pheochromocytoma-paraganglioma; Hereditary Paraganglioma-Pheochromocytoma Syndromes; Hereditary paragangliomas and pheochromocytomas. Identifiers: Orphanet 29072, MedGen C4274332, MONDO:0017366.

Submission:

All of Us Research Program, National Institutes of Health
Classification: Uncertain significance for Hereditary pheochromocytoma and paraganglioma. Last evaluated: 2023-06-08. Review status: criteria provided, single submitter. Criteria: ACMG Guidelines, 2015. Collection method: clinical testing. Allele origin: germline. Inheritance: Autosomal dominant inheritance. Observed: 1 variant allele, 1 heterozygote.
Comment: This missense variant replaces leucine with isoleucine at codon 99 of the SDHD protein. Computational prediction is inconclusive regarding the impact of this variant on protein structure and function (internally defined REVEL score threshold 0.5 < inconclusive < 0.7, PMID: 27666373). To our knowledge, functional studies have not been reported for this variant. This variant has not been reported in individuals affected with SDHD-related disorders in the literature. This variant has not been identified in the general population by the Genome Aggregation Database (gnomAD). The available evidence is insufficient to determine the role of this variant in disease conclusively. Therefore, this variant is classified as a Variant of Uncertain Significance.

This study involves interpretation of variants in research participants for the purpose of population health screening. Participant phenotype was not available at the time of variant classification. Additional details can be found in publication PMID: 35346344, PMCID: PMC8962531

NM_003002.4(SDHD):c.295C>A (p.Leu99Ile)

Gene: SDHD (succinate dehydrogenase complex subunit D; plus strand). Cytogenetic location: 11q23.1.
Variant type: single nucleotide variant.
Coding change: c.295C>A on transcript NM_003002.4 (MANE Select); coding-DNA position 295, C replaced by A.
Protein change: p.Leu99Ile; replaces leucine 99 with isoleucine.
Molecular consequence: missense variant. On other transcripts: non-coding transcript variant (1), intron variant (1).
Genome position (GRCh38, 1-based): chr11:112,088,992, C>A. VCF-style: chr11-112088992-C-A. GRCh37 (hg19) VCF-style: chr11-111959716-C-A.
Other names: c.178C>A, p.Leu60Ile (NM_001276504.2); c.295C>A, p.Leu99Ile (NM_001276506.2); c.169+1019C>A (NM_001276503.2); short protein forms L60I, L99I.
Identifiers: ClinVar variation 3071560 (VCV003071560.1), dbSNP rs1865692425, ClinGen allele CA382617395.
Genomic context (GRCh38, chr11:112,088,992, plus strand): 5'-CTGCTTCCGGCTGCTTATTTGAATCCTTGCTCTGCGATGGACTATTCCCTGGCTGCAGCC[C>A]TCACTCTTCATGGTCACTGGCAAGTATAGCAATTCCAAATATAGTTGTCTGCTCAGTTTG-3'
Protein context (NP_002993.1, residues 89-109): SAMDYSLAAA[Leu99Ile]TLHGHWGLGQ